The following is an entry in ClinVar:

ClinVar aggregate classification (germline): Conflicting classifications of pathogenicity. Review status: criteria provided, conflicting classifications (1 of 4 stars). 2 submissions from 2 submitters: Uncertain significance (1); Likely benign (1). Last evaluated 2023-03-23.

Conditions:
Hereditary cancer-predisposing syndrome. Also called: Tumor predisposition; Hereditary neoplastic syndrome; Neoplastic Syndromes, Hereditary; Hereditary Cancer Syndrome. Identifiers: Orphanet 140162, MedGen C0027672, MeSH D009386, MONDO:0015356.
Hereditary breast ovarian cancer syndrome. Also called: BRCA1- and BRCA2-Associated Hereditary Breast and Ovarian Cancer; Hereditary breast and ovarian cancer; Hereditary breast and/or ovarian cancer syndrome; Hereditary breast and ovarian cancer syndrome; Hereditary breast and ovarian cancer syndrome (HBOC); Breast and ovarian cancer. Identifiers: Orphanet 145, MedGen C0677776, MeSH D061325, MONDO:0003582. Disease mechanism: loss of function.

Submissions (2):

University of Washington Department of Laboratory Medicine, University of Washington
Classification: Likely benign for Hereditary cancer-predisposing syndrome. Last evaluated: 2023-03-23. Review status: criteria provided, single submitter. Criteria: Dines et al. (Genet Med. 2020). Collection method: curation. Allele origin: germline.
Comment: Missense variant in a coldspot region where missense variants are very unlikely to be pathogenic (PMID:31911673).

BRCA1 coldspot (exon 11 using historical exon numbering). Reclassification based on statistical prior probability

Labcorp Genetics (formerly Invitae), Labcorp
Classification: Uncertain significance for Hereditary breast ovarian cancer syndrome. Last evaluated: 2020-12-21. Review status: criteria provided, single submitter. Criteria: Invitae Variant Classification Sherloc (09022015). Collection method: clinical testing. Allele origin: germline.
Comment: In summary, the available evidence is currently insufficient to determine the role of this variant in disease. Therefore, it has been classified as a Variant of Uncertain Significance. Advanced modeling of protein sequence and biophysical properties (such as structural, functional, and spatial information, amino acid conservation, physicochemical variation, residue mobility, and thermodynamic stability) performed at Invitae indicates that this missense variant is not expected to disrupt BRCA1 protein function. This variant has not been reported in the literature in individuals with BRCA1-related conditions. This variant is not present in population databases (ExAC no frequency). This sequence change replaces glutamic acid with glutamine at codon 585 of the BRCA1 protein (p.Glu585Gln). The glutamic acid residue is moderately conserved and there is a small physicochemical difference between glutamic acid and glutamine.

NM_007294.4(BRCA1):c.1753G>C (p.Glu585Gln)

Gene: BRCA1 (BRCA1 DNA repair associated; minus strand). Cytogenetic location: 17q21.31.
Variant type: single nucleotide variant.
Coding change: c.1753G>C on transcript NM_007294.4 (MANE Select); coding-DNA position 1753, G replaced by C.
Protein change: p.Glu585Gln; replaces glutamic acid 585 with glutamine.
Molecular consequence: missense variant. On other transcripts: intron variant (137).
Genome position (GRCh38, 1-based): chr17:43,093,778, C>G on the plus strand (G>C on the coding strand, the complement: BRCA1 is on the minus strand). VCF-style: chr17-43093778-C-G. GRCh37 (hg19) VCF-style: chr17-41245795-C-G.
Other names: c.1609G>C, p.Glu537Gln (NM_001407749.1, NM_001407838.1, NM_001407839.1 and 20 more transcripts); c.1612G>C, p.Glu538Gln (NM_001407750.1, NM_001407751.1, NM_001407752.1 and 29 more transcripts); c.1753G>C, p.Glu585Gln (NM_001407854.1, NM_001407858.1, NM_001407859.1 and 30 more transcripts); c.1750G>C, p.Glu584Gln (NM_001407860.1, NM_001407861.1, NM_001407610.1 and 22 more transcripts); c.1552G>C, p.Glu518Gln (NM_001407862.1); c.1630G>C, p.Glu544Gln (NM_001407863.1, NM_001407648.1, NM_001407666.1 and 19 more transcripts); c.1489G>C, p.Glu497Gln (NM_001407926.1, NM_001407927.1, NM_001407928.1 and 9 more transcripts); c.1540G>C, p.Glu514Gln (NM_001407898.1, NM_001407899.1, NM_001407896.1 and 9 more transcripts); and 40 more; short protein forms E538Q, E585Q, E496Q, E514Q, E537Q, E558Q, E559Q, E582Q.
Identifiers: ClinVar variation 1495865 (VCV001495865.11), dbSNP rs2154426325, ClinGen allele CA10598524.
Genomic context (GRCh38, chr17:43,093,778, plus strand): 5'-CTTTTGAATTGTGGATATTTAATTCGAGTTCCATATTGCTTATACTGCTGCTTATAGGTT[C>G]AGCTTTCGTTTTGAAAGCAGATTCTTTTTCGAGTGATTCTATTGGGTTAGGATTTTTCTC-3'
Protein context (NP_009225.1, residues 575-595): EKESAFKTKA[Glu585Gln]PISSSISNME